The following is an entry in ClinVar:

NM_002485.5(NBN):c.802A>G (p.Thr268Ala)

Gene: NBN (nibrin; minus strand). Cytogenetic location: 8q21.3.
Variant type: single nucleotide variant.
Coding change: c.802A>G on transcript NM_002485.5 (MANE Select); coding-DNA position 802, A replaced by G.
Protein change: p.Thr268Ala; replaces threonine 268 with alanine.
Molecular consequence: missense variant.
Genome position (GRCh38, 1-based): chr8:89,970,458, T>C on the plus strand (A>G on the coding strand, the complement: NBN is on the minus strand). VCF-style: chr8-89970458-T-C. GRCh37 (hg19) VCF-style: chr8-90982686-T-C.
Other names: c.556A>G, p.Thr186Ala (NM_001024688.3); short protein forms T186A, T268A.
Identifiers: ClinVar variation 1331996 (VCV001331996.10), dbSNP rs2129829282, ClinGen allele CA371658600.

ClinVar aggregate classification (germline): Uncertain significance. Review status: criteria provided, multiple submitters, no conflicts (2 of 4 stars). 2 submissions from 2 submitters: Uncertain significance (2). Last evaluated 2023-01-11.

Conditions:
Microcephaly, normal intelligence and immunodeficiency (NBS). Also called: Nijmegen breakage syndrome; Microcephaly with normal intelligence immunodeficiency and lymphoreticular malignancies; Nonsyndromal microcephaly autosomal recessive with normal intelligence; Seemanova syndrome 2; IMMUNODEFICIENCY, MICROCEPHALY, AND CHROMOSOMAL INSTABILITY; SEEMANOVA SYNDROME II. Identifiers: Orphanet 647, MedGen C0398791, MONDO:0009623, OMIM 251260.
Hereditary cancer-predisposing syndrome. Also called: Hereditary Cancer Syndrome; Hereditary neoplastic syndrome; Neoplastic Syndromes, Hereditary; Tumor predisposition. Identifiers: Orphanet 140162, MedGen C0027672, MeSH D009386, MONDO:0015356.

Allele frequency attached by ClinVar (database versions not stated): gnomAD exomes below 0.00001.
gnomAD v4.1: 1 of 1,614,068 alleles (0.000062%); highest among the groups gnomAD compares: Non-Finnish European, 0.000085%; no homozygotes.

Submissions (2):

Ambry Genetics
Classification: Uncertain significance for Hereditary cancer-predisposing syndrome. Last evaluated: 2023-01-11. Review status: criteria provided, single submitter. Criteria: Ambry Variant Classification Scheme 2023. Collection method: clinical testing. Allele origin: germline.
Comment: The p.T268A variant (also known as c.802A>G), located in coding exon 7 of the NBN gene, results from an A to G substitution at nucleotide position 802. The threonine at codon 268 is replaced by alanine, an amino acid with similar properties. This amino acid position is conserved. In addition, this alteration is predicted to be tolerated by in silico analysis. Since supporting evidence is limited at this time, the clinical significance of this alteration remains unclear.

Labcorp Genetics (formerly Invitae), Labcorp
Classification: Uncertain significance for Microcephaly, normal intelligence and immunodeficiency. Last evaluated: 2021-12-05. Review status: criteria provided, single submitter. Criteria: Invitae Variant Classification Sherloc (09022015). Collection method: clinical testing. Allele origin: germline.
Comment: In summary, the available evidence is currently insufficient to determine the role of this variant in disease. Therefore, it has been classified as a Variant of Uncertain Significance. Algorithms developed to predict the effect of missense changes on protein structure and function (SIFT, PolyPhen-2, Align-GVGD) all suggest that this variant is likely to be tolerated. This variant has not been reported in the literature in individuals affected with NBN-related conditions. This variant is not present in population databases (gnomAD no frequency). This sequence change replaces threonine, which is neutral and polar, with alanine, which is neutral and non-polar, at codon 268 of the NBN protein (p.Thr268Ala).